The following is an entry in ClinVar:

ClinVar aggregate classification (germline): Uncertain significance (1 of 4 stars; one submission).

Allele frequency attached by ClinVar (database versions not stated): gnomAD exomes 0.00001; TOPMed 0.00002; gnomAD 0.00003 and 0.00004.
gnomAD v4.1: 19 of 1,198,306 alleles (0.0016%); highest among the groups gnomAD compares: Non-Finnish European, 0.0021%; no homozygotes.

Submission:

Labcorp Genetics (formerly Invitae), Labcorp
Classification: Uncertain significance. Last evaluated: 2024-08-04. Review status: criteria provided, single submitter. Criteria: Invitae Variant Classification Sherloc (09022015). Collection method: clinical testing. Allele origin: germline.
Comment: This sequence change replaces valine, which is neutral and non-polar, with glycine, which is neutral and non-polar, at codon 646 of the CACNA1F protein (p.Val646Gly). This variant is present in population databases (no rsID available, gnomAD 0.004%). This variant has not been reported in the literature in individuals affected with CACNA1F-related conditions. ClinVar contains an entry for this variant (Variation ID: 935927). Advanced modeling of protein sequence and biophysical properties (such as structural, functional, and spatial information, amino acid conservation, physicochemical variation, residue mobility, and thermodynamic stability) performed at Invitae indicates that this missense variant is expected to disrupt CACNA1F protein function with a positive predictive value of 80%. In summary, the available evidence is currently insufficient to determine the role of this variant in disease. Therefore, it has been classified as a Variant of Uncertain Significance.

NM_001256789.3(CACNA1F):c.1904T>G (p.Val635Gly)

Gene: CACNA1F (calcium voltage-gated channel subunit alpha1 F; minus strand). Cytogenetic location: Xp11.23.
Variant type: single nucleotide variant.
Coding change: c.1904T>G on transcript NM_001256789.3 (MANE Select); coding-DNA position 1904, T replaced by G.
Protein change: p.Val635Gly; replaces valine 635 with glycine.
Molecular consequence: missense variant.
Genome position (GRCh38, 1-based): chrX:49,223,110, A>C on the plus strand (T>G on the coding strand, the complement: CACNA1F is on the minus strand). VCF-style: chrX-49223110-A-C. GRCh37 (hg19) VCF-style: chrX-49079569-A-C.
Other names: c.1742T>G, p.Val581Gly (NM_001256790.3); c.1937T>G, p.Val646Gly (NM_005183.4); short protein forms V581G, V635G, V646G.
Identifiers: ClinVar variation 935927 (VCV000935927.8), dbSNP rs1297908497, ClinGen allele CA412912875.